The following is an entry in ClinVar:

ClinVar aggregate classification (germline): Uncertain significance (1 of 4 stars; one submission).

Allele frequency attached by ClinVar (database versions not stated): gnomAD exomes 0.00001; TOPMed 0.00004.
gnomAD v4.1: 38 of 1,599,466 alleles (0.0024%); highest among the groups gnomAD compares: South Asian, 0.013%; 1 homozygote.

Submission:

Labcorp Genetics (formerly Invitae), Labcorp
Classification: Uncertain significance. Last evaluated: 2022-07-06. Review status: criteria provided, single submitter. Criteria: Invitae Variant Classification Sherloc (09022015). Collection method: clinical testing. Allele origin: germline.
Comment: In summary, the available evidence is currently insufficient to determine the role of this variant in disease. Therefore, it has been classified as a Variant of Uncertain Significance. Algorithms developed to predict the effect of missense changes on protein structure and function are either unavailable or do not agree on the potential impact of this missense change (SIFT: "Deleterious"; PolyPhen-2: "Possibly Damaging"; Align-GVGD: "Class C0"). ClinVar contains an entry for this variant (Variation ID: 1006325). This variant has not been reported in the literature in individuals affected with INPPL1-related conditions. This variant is present in population databases (no rsID available, gnomAD 0.007%). This sequence change replaces arginine, which is basic and polar, with tryptophan, which is neutral and slightly polar, at codon 1119 of the INPPL1 protein (p.Arg1119Trp).

NM_001567.4(INPPL1):c.3355C>T (p.Arg1119Trp)

Gene: INPPL1 (inositol polyphosphate phosphatase like 1; plus strand). Cytogenetic location: 11q13.4.
Variant type: single nucleotide variant.
Coding change: c.3355C>T on transcript NM_001567.4 (MANE Select); coding-DNA position 3355, C replaced by T.
Protein change: p.Arg1119Trp; replaces arginine 1119 with tryptophan.
Molecular consequence: missense variant.
Genome position (GRCh38, 1-based): chr11:72,237,599, C>T. VCF-style: chr11-72237599-C-T. GRCh37 (hg19) VCF-style: chr11-71948643-C-T.
Other names: short protein forms R1119W.
Identifiers: ClinVar variation 1006325 (VCV001006325.6), dbSNP rs1204437007, ClinGen allele CA381738902.